The following is an entry in ClinVar:

ClinVar aggregate classification (germline): Uncertain significance (0 of 4 stars; one submission).

Conditions:
NKX2-1-Related Disorders. Also called: NKX2-1-related disorder. Identifiers: MedGen CN381057.

Submission:

PreventionGenetics, part of Exact Sciences
Classification: Uncertain significance for NKX2-1-related condition. Last evaluated: 2024-07-15. Review status: no assertion criteria provided. Collection method: clinical testing. Allele origin: germline.
Comment: The NKX2-1 c.196G>A variant is predicted to result in the amino acid substitution p.Ala66Thr. To our knowledge, this variant has not been reported in the literature or in a large population database, indicating this variant is rare. At this time, the clinical significance of this variant is uncertain due to the absence of conclusive functional and genetic evidence.

NM_001079668.3(NKX2-1):c.196G>A (p.Ala66Thr)

Genes: NKX2-1 (NK2 homeobox 1; minus strand), SFTA3 (surfactant associated 3; minus strand). Cytogenetic location: 14q13.3.
Variant type: single nucleotide variant.
Coding change: c.196G>A on transcript NM_001079668.3 (MANE Select); coding-DNA position 196, G replaced by A.
Protein change: p.Ala66Thr; replaces alanine 66 with threonine.
Molecular consequence: missense variant.
Genome position (GRCh38, 1-based): chr14:36,519,252, C>T on the plus strand (G>A on the coding strand, the complement: NKX2-1 is on the minus strand). VCF-style: chr14-36519252-C-T. GRCh37 (hg19) VCF-style: chr14-36988457-C-T.
Other names: c.106G>A, p.Ala36Thr (NM_003317.4); short protein forms A36T, A66T.
Identifiers: ClinVar variation 3344369 (VCV003344369.1).